The following is an entry in ClinVar:

ClinVar aggregate classification (germline): Uncertain significance. Review status: criteria provided, multiple submitters, no conflicts (2 of 4 stars). 3 submissions from 3 submitters: Uncertain significance (3). Last evaluated 2024-09-14.

Conditions:
Usher syndrome type 1C. Also called: USHER SYNDROME, TYPE I, ACADIAN VARIETY. Identifiers: Orphanet 231169, Orphanet 886, MedGen C1848604, MONDO:0010171, OMIM 276904.

Allele frequency attached by ClinVar (database versions not stated): gnomAD 0.00001; gnomAD exomes 0.00003.

Submissions (3):

Labcorp Genetics (formerly Invitae), Labcorp
Classification: Uncertain significance. Last evaluated: 2024-09-14. Review status: criteria provided, single submitter. Criteria: Invitae Variant Classification Sherloc (09022015). Collection method: clinical testing. Allele origin: germline.
Comment: This sequence change replaces glutamic acid, which is acidic and polar, with lysine, which is basic and polar, at codon 295 of the USH1C protein (p.Glu295Lys). This variant is present in population databases (rs200127622, gnomAD 0.001%). This variant has not been reported in the literature in individuals affected with USH1C-related conditions. ClinVar contains an entry for this variant (Variation ID: 303805). An algorithm developed to predict the effect of missense changes on protein structure and function (PolyPhen-2) suggests that this variant is likely to be tolerated. In summary, the available evidence is currently insufficient to determine the role of this variant in disease. Therefore, it has been classified as a Variant of Uncertain Significance.

GeneDx
Classification: Uncertain significance. Last evaluated: 2023-11-02. Review status: criteria provided, single submitter. Criteria: GeneDx Variant Classification Process June 2021. Collection method: clinical testing. Allele origin: germline. Affected: yes.
Comment: Not observed at significant frequency in large population cohorts (gnomAD); In silico analysis supports that this missense variant has a deleterious effect on protein structure/function; Has not been previously published as pathogenic or benign to our knowledge

Illumina Laboratory Services, Illumina
Classification: Uncertain significance for Usher syndrome type 1C. Last evaluated: 2018-01-12. Review status: criteria provided, single submitter. Criteria: ICSL Variant Classification Criteria 13 December 2019. Collection method: clinical testing. Allele origin: germline.

NM_153676.4(USH1C):c.883G>A (p.Glu295Lys)

Gene: USH1C (USH1 protein network component harmonin; minus strand). Cytogenetic location: 11p15.1.
Variant type: single nucleotide variant.
Coding change: c.883G>A on transcript NM_153676.4 (MANE Select); coding-DNA position 883, G replaced by A.
Protein change: p.Glu295Lys; replaces glutamic acid 295 with lysine.
Molecular consequence: missense variant. On other transcripts: non-coding transcript variant (1).
Genome position (GRCh38, 1-based): chr11:17,522,920, C>T on the plus strand (G>A on the coding strand, the complement: USH1C is on the minus strand). VCF-style: chr11-17522920-C-T. GRCh37 (hg19) VCF-style: chr11-17544467-C-T.
Other names: c.826G>A, p.Glu276Lys (NM_001297764.2); c.883G>A, p.Glu295Lys (NM_005709.4); short protein forms E295K, E276K.
Identifiers: ClinVar variation 303805 (VCV000303805.8), dbSNP rs200127622, ClinGen allele CA10634220.
Genomic context (GRCh38, chr11:17,522,920, plus strand): 5'-GCCGCTGCAGCTCACGCTGCCGCGCCTCTGCCAGCCGCTCCCGGTCTGTCATGAACAGCT[C>T]CCGGCCCTCATGGGAGAAAAGAGGCCCCTTGCTCAGCCCCCGGGGAACCTGGGGATCCCC-3'
Protein context (NP_710142.1, residues 285-305): TISIVAAAGR[Glu295Lys]LFMTDRERLA